The following is an entry in ClinVar:

NC_012920.1(MT-ND5):m.12662A>G (p.Asn109Ser)

Gene: MT-ND5 (mitochondrially encoded NADH dehydrogenase 5; plus strand).
Variant type: single nucleotide variant.
Genome position: chrM-12662-A-G.
Other names: short protein forms N109S.
Identifiers: ClinVar variation 693474 (VCV000693474.1), dbSNP rs879105366, ClinGen allele CA337099521.

ClinVar aggregate classification (germline): Benign (1 of 4 stars; one submission).

Conditions:
Leigh syndrome (NULS). Also called: Leigh's necrotizing encephalopathy; Leigh's disease; Leigh Syndrome (mtDNA deletion); Leigh Disease; Subacute necrotizing encephalopathy; Necrotizing encephalopathy infantile subacute of Leigh. Identifiers: Orphanet 506, MedGen C2931891, MONDO:0009723, OMIM 256000.

Submission:

Wong Mito Lab, Molecular and Human Genetics, Baylor College of Medicine
Classification: Benign for Leigh syndrome. Last evaluated: 2019-10-17. Review status: criteria provided, single submitter. Criteria: Modified ACMG Guidelines (Unpublished). Collection method: clinical testing. Allele origin: germline.
Comment: The NC_012920.1:m.12662A>G (YP_003024036.1:p.Asn109Ser) variant in MTND5 gene is interpretated to be a Benign variant based on the modified ACMG guidelines (unpublished). This variant meets the following evidence codes: BS1, BS2, BP4